The following is an entry in ClinVar:

ClinVar aggregate classification (germline): Benign (1 of 4 stars; one submission).

Conditions:
Leber congenital amaurosis 5 (LCA5). Also called: Amaurosis congenita of Leber, type 5. Identifiers: Orphanet 65, MedGen C1858301, MONDO:0011473, OMIM 604537.

Allele frequency attached by ClinVar (database versions not stated): gnomAD 0.01000 and 0.01061; TOPMed 0.01101; 1000 Genomes Project 0.01498; 1000 Genomes Project 30x 0.01530.

Submission:

Illumina Laboratory Services, Illumina
Classification: Benign for Leber congenital amaurosis 5. Last evaluated: 2017-04-27. Review status: criteria provided, single submitter. Criteria: ICSL Variant Classification Criteria 13 December 2019. Collection method: clinical testing. Allele origin: germline.
Comment: This variant was observed as part of a predisposition screen in an ostensibly healthy population. A literature search was performed for the gene, cDNA change, and amino acid change (where applicable). No publications were found based on this search. Allele frequency data from public databases was too high to be consistent with this variant causing disease. Therefore, this variant is classified as benign.

NM_001122769.3(LCA5):c.*1292A>G

Gene: LCA5 (lebercilin LCA5; minus strand). Cytogenetic location: 6q14.1.
Variant type: single nucleotide variant.
Coding change: c.*1292A>G on transcript NM_001122769.3 (MANE Select); 1292 bases downstream of the stop codon, A replaced by G.
Molecular consequence: 3 prime UTR variant.
Genome position (GRCh38, 1-based): chr6:79,485,712, T>C on the plus strand (A>G on the coding strand, the complement: LCA5 is on the minus strand). VCF-style: chr6-79485712-T-C. GRCh37 (hg19) VCF-style: chr6-80195429-T-C.
Other names: c.*1292A>G (NM_181714.4).
Identifiers: ClinVar variation 911096 (VCV000911096.4), dbSNP rs77354230, ClinGen allele CA141859221.